The following is an entry in ClinVar:

NM_004360.5(CDH1):c.2594G>A (p.Trp865Ter)

Gene: CDH1 (cadherin 1; plus strand). Cytogenetic location: 16q22.1.
Variant type: single nucleotide variant.
Coding change: c.2594G>A on transcript NM_004360.5 (MANE Select); coding-DNA position 2594, G replaced by A.
Protein change: p.Trp865Ter; replaces tryptophan 865 with a stop codon.
Molecular consequence: nonsense.
Genome position (GRCh38, 1-based): chr16:68,833,444, G>A. VCF-style: chr16-68833444-G-A. GRCh37 (hg19) VCF-style: chr16-68867347-G-A.
Other names: c.2411G>A, p.Trp804Ter (NM_001317184.2); c.1046G>A, p.Trp349Ter (NM_001317185.2); c.629G>A, p.Trp210Ter (NM_001317186.2); c.2594G>A (LRG_301t1); short protein forms W865*, W210*, W804*, W349*.
Identifiers: ClinVar variation 496819 (VCV000496819.16), dbSNP rs1555518270, ClinGen allele CA396472624.

ClinVar aggregate classification (germline): Uncertain significance. Review status: reviewed by expert panel (3 of 4 stars). 4 submissions from 4 submitters: Uncertain significance (1). 3 of the submissions do not count toward it. Last evaluated 2023-08-04.

Conditions:
CDH1-related diffuse gastric and lobular breast cancer syndrome. Also called: CDH1-related diffuse gastric and lobular breast cancer. Identifiers: MedGen CN311521, MONDO:0100488.
Hereditary cancer-predisposing syndrome. Also called: Tumor predisposition; Hereditary neoplastic syndrome; Neoplastic Syndromes, Hereditary; Hereditary Cancer Syndrome. Identifiers: Orphanet 140162, MedGen C0027672, MeSH D009386, MONDO:0015356.
Hereditary diffuse gastric adenocarcinoma (HDGC). Also called: DIFFUSE GASTRIC AND LOBULAR BREAST CANCER SYNDROME. Identifiers: Orphanet 26106, MedGen C1708349, MONDO:0007648, OMIM 137215.

Allele frequency attached by ClinVar (database versions not stated): gnomAD exomes below 0.00001; TOPMed below 0.00001.
gnomAD v4.1: 1 of 1,614,158 alleles (0.000062%); highest among the groups gnomAD compares: Non-Finnish European, 0.000085%; no homozygotes.

Submissions (4):

Clingen Gastric Cancer Variant Curation Expert Panel
Classification: Uncertain significance for CDH1-related diffuse gastric and lobular breast cancer syndrome. Last evaluated: 2023-08-04. Review status: reviewed by expert panel. Criteria: ClinGen CDH1 ACMG Specifications V3.1. Collection method: curation. Allele origin: germline. Inheritance: Autosomal dominant inheritance.
Comment: The c.2594G>A p.(Trp865Ter) variant is predicted to result in a premature stop codon that leads to a truncated protein. However, it is located within the nonsense mediated decay resistance region and is downstream of the most 3' pathogenic variant, c.2506G>T p.(Glu836Ter), PVS1_Moderate. This variant is absent in the gnomAD cohort (PM2_Supporting). In summary, the clinical significance of this variant is uncertain. ACMG/AMP criteria applied, as specified by the CDH1 Variant Curation Expert Panel (CDH1 VCEP specifications version 3.1): PVS1_Moderate, PM2_Supporting.

Labcorp Genetics (formerly Invitae), Labcorp
Classification: Uncertain significance for Hereditary diffuse gastric adenocarcinoma. Last evaluated: 2025-11-21. Review status: criteria provided, single submitter. Criteria: Invitae Variant Classification Sherloc (09022015). Collection method: clinical testing. Allele origin: germline. Not counted in ClinVar's aggregate classification.
Comment: This sequence change creates a premature translational stop signal (p.Trp865*) in the CDH1 gene. While this is not anticipated to result in nonsense mediated decay, it is expected to disrupt the last 18 amino acid(s) of the CDH1 protein. This variant is not present in population databases (gnomAD no frequency). This variant has not been reported in the literature in individuals affected with CDH1-related conditions. ClinVar contains an entry for this variant (Variation ID: 496819). In summary, the available evidence is currently insufficient to determine the role of this variant in disease. Therefore, it has been classified as a Variant of Uncertain Significance.

Ambry Genetics
Classification: Uncertain significance for Hereditary cancer-predisposing syndrome. Last evaluated: 2021-10-28. Review status: criteria provided, single submitter. Criteria: Ambry Variant Classification Scheme 2023. Collection method: clinical testing. Allele origin: germline. Not counted in ClinVar's aggregate classification.
Comment: The p.W865* variant (also known as c.2594G>A), located in coding exon 16 of the CDH1 gene, results from a G to A substitution at nucleotide position 2594. This changes the amino acid from a tryptophan to a stop codon within coding exon 16. This alteration occurs at the 3' terminus of theCDH1 gene, is not expected to trigger nonsense-mediated mRNAdecay, and only impacts the last 2%, 18 amino acids, of the protein. The exact functional effect of this alteration is unknown. Since supporting evidence is limited at this time, the clinical significance of this alteration remains unclear.

Counsyl
Classification: Uncertain significance for Hereditary diffuse gastric adenocarcinoma. Last evaluated: 2017-11-14. Review status: no assertion criteria provided. Collection method: clinical testing. Allele origin: unknown. Not counted in ClinVar's aggregate classification.